The following is an entry in ClinVar:

NM_002460.4(IRF4):c.431C>T (p.Pro144Leu)

Gene: IRF4 (interferon regulatory factor 4; plus strand). Cytogenetic location: 6p25.3.
Variant type: single nucleotide variant.
Coding change: c.431C>T on transcript NM_002460.4 (MANE Select); coding-DNA position 431, C replaced by T.
Protein change: p.Pro144Leu; replaces proline 144 with leucine.
Molecular consequence: missense variant. On other transcripts: non-coding transcript variant (1).
Genome position (GRCh38, 1-based): chr6:395,874, C>T. VCF-style: chr6-395874-C-T. GRCh37 (hg19) VCF-style: chr6-395874-C-T.
Other names: c.431C>T, p.Pro144Leu (NM_001195286.2); short protein forms P144L.
Identifiers: ClinVar variation 4804243 (VCV004804243.1).

ClinVar aggregate classification (germline): Uncertain significance (1 of 4 stars; one submission).

Submission:

Labcorp Genetics (formerly Invitae), Labcorp
Classification: Uncertain significance. Last evaluated: 2025-10-29. Review status: criteria provided, single submitter. Criteria: Invitae Variant Classification Sherloc (09022015). Collection method: clinical testing. Allele origin: germline.
Comment: This sequence change replaces proline, which is neutral and non-polar, with leucine, which is neutral and non-polar, at codon 144 of the IRF4 protein (p.Pro144Leu). The frequency data for this variant in the population databases is considered unreliable, as metrics indicate poor data quality at this position in the gnomAD database. This variant has not been reported in the literature in individuals affected with IRF4-related conditions. An algorithm developed to predict the effect of missense changes on protein structure and function (PolyPhen-2) suggests that this variant is likely to be tolerated. In summary, the available evidence is currently insufficient to determine the role of this variant in disease. Therefore, it has been classified as a Variant of Uncertain Significance.